The following is an entry in ClinVar:

ClinVar aggregate classification (germline): Conflicting classifications of pathogenicity. Review status: criteria provided, conflicting classifications (1 of 4 stars). 3 submissions from 3 submitters: Uncertain significance (2); Likely benign (1). Last evaluated 2024-04-24.

Conditions:
Monosomy 7 myelodysplasia and leukemia syndrome 1. Also called: Familial Mosaic Monosomy 7 Syndrome; Monosomy 7 of bone marrow; CHROMOSOME 7q DELETION. Identifiers: MedGen C1854978, MONDO:0009646, OMIM 252270.
Ataxia-pancytopenia syndrome (ATXPC). Also called: SAMD9L Ataxia-Pancytopenia Syndrome; SAMD9L-Related Syndrome. Identifiers: Orphanet 2585, MedGen C1327919, MONDO:0008038, OMIM 159550.
Spinocerebellar ataxia 49 (SCA49). Identifiers: Orphanet 631106, MedGen C5676950, MONDO:0030805, OMIM 619806.

Allele frequency attached by ClinVar (database versions not stated): gnomAD 0.00001; ExAC 0.00002; gnomAD exomes 0.00003.
gnomAD v4.1: 45 of 1,612,162 alleles (0.0028%); highest among the groups gnomAD compares: East Asian, 0.069%; no homozygotes.

Submissions (3):

Fulgent Genetics
Classification: Uncertain significance for Ataxia-pancytopenia syndrome; Monosomy 7 myelodysplasia and leukemia syndrome 1; Spinocerebellar ataxia 49. Last evaluated: 2024-04-24. Review status: criteria provided, single submitter. Criteria: ACMG Guidelines, 2015. Collection method: clinical testing. Allele origin: germline.

Labcorp Genetics (formerly Invitae), Labcorp
Classification: Uncertain significance. Last evaluated: 2022-06-18. Review status: criteria provided, single submitter. Criteria: Invitae Variant Classification Sherloc (09022015). Collection method: clinical testing. Allele origin: germline.
Comment: In summary, the available evidence is currently insufficient to determine the role of this variant in disease. Therefore, it has been classified as a Variant of Uncertain Significance. Algorithms developed to predict the effect of missense changes on protein structure and function are either unavailable or do not agree on the potential impact of this missense change (SIFT: "Not Available"; PolyPhen-2: "Probably Damaging"; Align-GVGD: "Not Available"). This variant has not been reported in the literature in individuals affected with SAMD9L-related conditions. This variant is present in population databases (rs746980471, gnomAD 0.02%). This sequence change replaces arginine, which is basic and polar, with tryptophan, which is neutral and slightly polar, at codon 285 of the SAMD9L protein (p.Arg285Trp).

Blueprint Genetics
Classification: Likely benign. Last evaluated: 2022-04-08. Review status: criteria provided, single submitter. Criteria: ACMG Guidelines, 2015. Collection method: clinical testing. Allele origin: germline.

NM_152703.5(SAMD9L):c.853C>T (p.Arg285Trp)

Gene: SAMD9L (sterile alpha motif domain containing 9 like; minus strand). Cytogenetic location: 7q21.2.
Variant type: single nucleotide variant.
Coding change: c.853C>T on transcript NM_152703.5 (MANE Select); coding-DNA position 853, C replaced by T.
Protein change: p.Arg285Trp; replaces arginine 285 with tryptophan.
Molecular consequence: missense variant.
Genome position (GRCh38, 1-based): chr7:93,135,119, G>A on the plus strand (C>T on the coding strand, the complement: SAMD9L is on the minus strand). VCF-style: chr7-93135119-G-A. GRCh37 (hg19) VCF-style: chr7-92764432-G-A.
Other names: c.853C>T, p.Arg285Trp (NM_001303496.3, NM_001303497.3, NM_001303498.3 and 5 more transcripts); short protein forms R285W.
Identifiers: ClinVar variation 1922426 (VCV001922426.7), dbSNP rs746980471, ClinGen allele CA4343804.